The following is an entry in ClinVar:

NM_012335.4(MYO1F):c.1692+7C>G

Gene: MYO1F (myosin IF; minus strand). Cytogenetic location: 19p13.2.
Variant type: single nucleotide variant.
Coding change: c.1692+7C>G on transcript NM_012335.4 (MANE Select); 7 bases into the intron after coding-DNA position 1692, C replaced by G.
Molecular consequence: intron variant.
Genome position (GRCh38, 1-based): chr19:8,539,940, G>C on the plus strand (C>G on the coding strand, the complement: MYO1F is on the minus strand). VCF-style: chr19-8539940-G-C. GRCh37 (hg19) VCF-style: chr19-8604824-G-C.
Other names: c.1680+7C>G (NM_001348355.2).
Identifiers: ClinVar variation 515184 (VCV000515184.3), dbSNP rs374274277, ClinGen allele CA9159181.

ClinVar aggregate classification (germline): Likely benign. Review status: criteria provided, single submitter (1 of 4 stars). 2 submissions from 2 submitters: Likely benign (1). 1 of the submissions does not count toward it. Last evaluated 2018-02-06.

Conditions:
MYO1F-related disorder. Also called: MYO1F-related condition.

Allele frequency attached by ClinVar (database versions not stated): gnomAD below 0.00001 and 0.00034; TOPMed 0.00007; gnomAD exomes 0.00043 and 0.00078; ExAC 0.00092; 1000 Genomes Project 30x 0.00219; 1000 Genomes Project 0.00240.
gnomAD v4.1: 680 of 1,612,556 alleles (0.042%); highest among the groups gnomAD compares: South Asian, 0.71%; 12 homozygotes.

Submissions (2):

GeneDx
Classification: Likely benign. Last evaluated: 2018-02-06. Review status: criteria provided, single submitter. Criteria: GeneDx Variant Classification (06012015). Collection method: clinical testing. Allele origin: germline. Affected: yes.
Comment: This variant is considered likely benign or benign based on one or more of the following criteria: it is a conservative change, it occurs at a poorly conserved position in the protein, it is predicted to be benign by multiple in silico algorithms, and/or has population frequency not consistent with disease.

PreventionGenetics, part of Exact Sciences
Classification: Likely benign for MYO1F-related condition. Last evaluated: 2019-06-27. Review status: no assertion criteria provided. Collection method: clinical testing. Allele origin: germline. Not counted in ClinVar's aggregate classification.
Comment: This variant is classified as likely benign based on ACMG/AMP sequence variant interpretation guidelines (Richards et al. 2015 PMID: 25741868, with internal and published modifications).